The following is an entry in ClinVar:

NM_001384732.1(CPLANE1):c.81+20=

Gene: CPLANE1 (ciliogenesis and planar polarity effector complex subunit 1; minus strand). Cytogenetic location: 5p13.2.
Variant type: single nucleotide variant.
Coding change: c.81+20= on transcript NM_001384732.1 (MANE Select); 20 bases into the intron after coding-DNA position 81, no change from the reference sequence.
Molecular consequence: intron variant.
Genome position: GRCh38 VCF-style: chr5-37247598-A-A. GRCh37 (hg19) VCF-style: chr5-37247700-G-A.
Other names: c.81+20= (NM_023073.4).
Identifiers: ClinVar variation 158053 (VCV000158053.21), dbSNP rs6876576.

ClinVar aggregate classification (germline): Benign. Review status: criteria provided, multiple submitters, no conflicts (2 of 4 stars). 10 submissions from 9 submitters: Benign (8). 2 of the submissions do not count toward it. Last evaluated 2026-02-04.

Conditions:
Orofaciodigital syndrome type 6 (OFD6). Also called: OROFACIODIGITAL SYNDROME VI; OFDS VI; POLYDACTYLY, CLEFT LIP/PALATE OR LINGUAL LUMP, AND PSYCHOMOTOR RETARDATION; VARADI SYNDROME; VARADI-PAPP SYNDROME; Oral-facial-digital syndrome type 6. Identifiers: Orphanet 2754, MedGen C2745997, MONDO:0010176, OMIM 277170.
Joubert syndrome 17 (JBTS17). Identifiers: Orphanet 475, MedGen C3553264, MONDO:0013824, OMIM 614615.

Allele frequency attached by ClinVar (database versions not stated): 1000 Genomes Project 30x 0.99969; TOPMed 0.99984; gnomAD 0.99993 and 0.99994; gnomAD exomes 0.99996.

Submissions (10):

Labcorp Genetics (formerly Invitae), Labcorp
Classification: Benign. Last evaluated: 2026-02-04. Review status: criteria provided, single submitter. Criteria: Invitae Variant Classification Sherloc (09022015). Collection method: clinical testing. Allele origin: germline.

Blueprint Genetics
Classification: Benign. Last evaluated: 2024-11-27. Review status: criteria provided, single submitter. Criteria: ACMG Guidelines, 2015. Collection method: clinical testing. Allele origin: germline.

Genome-Nilou Lab
Classification: Benign for Joubert syndrome 17. Last evaluated: 2021-07-14. Review status: criteria provided, single submitter. Criteria: ACMG Guidelines, 2015. Collection method: clinical testing. Allele origin: germline. Affected: no.

Genome-Nilou Lab
Classification: Benign for Orofaciodigital syndrome type 6. Last evaluated: 2021-07-14. Review status: criteria provided, single submitter. Criteria: ACMG Guidelines, 2015. Collection method: clinical testing. Allele origin: germline. Affected: no.

GeneDx
Classification: Benign. Last evaluated: 2016-01-08. Review status: criteria provided, single submitter. Criteria: GeneDx Variant Classification (06012015). Collection method: clinical testing. Allele origin: germline. Affected: yes.
Comment: This variant is considered likely benign or benign based on one or more of the following criteria: it is a conservative change, it occurs at a poorly conserved position in the protein, it is predicted to be benign by multiple in silico algorithms, and/or has population frequency not consistent with disease.

Clinical Genetics DNA and cytogenetics Diagnostics Lab, Erasmus MC, Erasmus Medical Center
Classification: Benign for Joubert syndrome 17. Last evaluated: 2015-09-21. Review status: criteria provided, single submitter. Criteria: ACGS Guidelines, 2013. Collection method: clinical testing. Allele origin: germline. Affected: yes. Study: VKGL Data-share Consensus.

Breakthrough Genomics
Classification: Benign. Review status: criteria provided, single submitter. Criteria: ACMG Guidelines, 2015. Collection method: not provided. Allele origin: germline. Inheritance: Autosomal recessive inheritance. Affected: yes.

PreventionGenetics, part of Exact Sciences
Classification: Benign. Review status: criteria provided, single submitter. Criteria: ACMG Guidelines, 2015. Collection method: clinical testing. Allele origin: germline.

Diagnostic Laboratory, Department of Genetics, University Medical Center Groningen
Classification: Benign for Joubert syndrome 17. Review status: no assertion criteria provided. Collection method: clinical testing. Allele origin: germline. Affected: yes. Study: VKGL Data-share Consensus. Not counted in ClinVar's aggregate classification.

Genetic Services Laboratory, University of Chicago
Classification: Likely benign. Review status: no assertion criteria provided. Collection method: clinical testing. Allele origin: germline. Inheritance: Autosomal recessive inheritance. Not counted in ClinVar's aggregate classification.
Comment: Likely benign based on allele frequency in 1000 Genomes Project or ESP global frequency and its presence in a patient with a rare or unrelated disease phenotype. NOT Sanger confirmed